The following is an entry in ClinVar:

NM_005529.7(HSPG2):c.5345G>C (p.Ser1782Thr)

Gene: HSPG2 (heparan sulfate proteoglycan 2; minus strand). Cytogenetic location: 1p36.12.
Variant type: single nucleotide variant.
Coding change: c.5345G>C on transcript NM_005529.7 (MANE Select); coding-DNA position 5345, G replaced by C.
Protein change: p.Ser1782Thr; replaces serine 1782 with threonine.
Molecular consequence: missense variant.
Genome position (GRCh38, 1-based): chr1:21,857,334, C>G on the plus strand (G>C on the coding strand, the complement: HSPG2 is on the minus strand). VCF-style: chr1-21857334-C-G. GRCh37 (hg19) VCF-style: chr1-22183827-C-G.
Other names: c.5348G>C, p.Ser1783Thr (NM_001291860.2); short protein forms S1783T, S1782T.
Identifiers: ClinVar variation 1386819 (VCV001386819.8), dbSNP rs2152726960, ClinGen allele CA338943271.

ClinVar aggregate classification (germline): Uncertain significance (1 of 4 stars; one submission).

Submission:

Labcorp Genetics (formerly Invitae), Labcorp
Classification: Uncertain significance. Last evaluated: 2020-11-04. Review status: criteria provided, single submitter. Criteria: Invitae Variant Classification Sherloc (09022015). Collection method: clinical testing. Allele origin: germline.
Comment: Algorithms developed to predict the effect of missense changes on protein structure and function (SIFT, PolyPhen-2, Align-GVGD) all suggest that this variant is likely to be tolerated, but these predictions have not been confirmed by published functional studies and their clinical significance is uncertain. In summary, the available evidence is currently insufficient to determine the role of this variant in disease. Therefore, it has been classified as a Variant of Uncertain Significance. This variant has not been reported in the literature in individuals with HSPG2-related conditions. This variant is not present in population databases (ExAC no frequency). This sequence change replaces serine with threonine at codon 1782 of the HSPG2 protein (p.Ser1782Thr). The serine residue is weakly conserved and there is a small physicochemical difference between serine and threonine.